The following is an entry in ClinVar:

ClinVar aggregate classification (germline): Uncertain significance (1 of 4 stars; one submission).

Conditions:
Hereditary cancer-predisposing syndrome. Also called: Neoplastic Syndromes, Hereditary; Tumor predisposition; Hereditary Cancer Syndrome; Hereditary neoplastic syndrome. Identifiers: Orphanet 140162, MedGen C0027672, MeSH D009386, MONDO:0015356.

Submission:

Ambry Genetics
Classification: Uncertain significance for Hereditary cancer-predisposing syndrome. Last evaluated: 2023-01-31. Review status: criteria provided, single submitter. Criteria: Ambry Variant Classification Scheme 2023. Collection method: clinical testing. Allele origin: germline.
Comment: The p.T662A variant (also known as c.1984A>G), located in coding exon 17 of the MRE11A gene, results from an A to G substitution at nucleotide position 1984. The threonine at codon 662 is replaced by alanine, an amino acid with similar properties. This amino acid position is not well conserved in available vertebrate species. In addition, this alteration is predicted to be tolerated by in silico analysis. Since supporting evidence is limited at this time, the clinical significance of this alteration remains unclear.

NM_005591.4(MRE11):c.1984A>G (p.Thr662Ala)

Gene: MRE11 (MRE11 double strand break repair nuclease; minus strand). Cytogenetic location: 11q21.
Variant type: single nucleotide variant.
Coding change: c.1984A>G on transcript NM_005591.4 (MANE Select); coding-DNA position 1984, A replaced by G.
Protein change: p.Thr662Ala; replaces threonine 662 with alanine.
Molecular consequence: missense variant.
Genome position (GRCh38, 1-based): chr11:94,435,842, T>C on the plus strand (A>G on the coding strand, the complement: MRE11 is on the minus strand). VCF-style: chr11-94435842-T-C. GRCh37 (hg19) VCF-style: chr11-94169008-T-C.
Other names: c.1981A>G, p.Thr661Ala (NM_001330347.2); c.1900A>G, p.Thr634Ala (NM_005590.4); short protein forms T661A, T634A, T662A.
Identifiers: ClinVar variation 820448 (VCV000820448.5), dbSNP rs1591640852, ClinGen allele CA382374037.